The following is an entry in ClinVar:

ClinVar aggregate classification (germline): Uncertain significance (1 of 4 stars; one submission).

Conditions:
Charcot-Marie-Tooth disease type 2. Also called: Charcot-Marie-Tooth type 2. Identifiers: Orphanet 64746, MedGen C0270914, MONDO:0018993.

Allele frequency attached by ClinVar (database versions not stated): gnomAD exomes below 0.00001.
gnomAD v4.1: 2 of 1,613,804 alleles (0.00012%); highest among the groups gnomAD compares: South Asian, 0.0011%; no homozygotes.

Submission:

Labcorp Genetics (formerly Invitae), Labcorp
Classification: Uncertain significance for Charcot-Marie-Tooth disease type 2. Last evaluated: 2021-09-18. Review status: criteria provided, single submitter. Criteria: Invitae Variant Classification Sherloc (09022015). Collection method: clinical testing. Allele origin: germline.
Comment: In summary, the available evidence is currently insufficient to determine the role of this variant in disease. Therefore, it has been classified as a Variant of Uncertain Significance. Algorithms developed to predict the effect of missense changes on protein structure and function are either unavailable or do not agree on the potential impact of this missense change (SIFT: "Deleterious"; PolyPhen-2: "Benign"; Align-GVGD: "Class C0"). This variant has not been reported in the literature in individuals affected with BSCL2-related conditions. This variant is not present in population databases (ExAC no frequency). This sequence change replaces threonine with isoleucine at codon 59 of the BSCL2 protein (p.Thr59Ile). The threonine residue is highly conserved and there is a moderate physicochemical difference between threonine and isoleucine.

NM_001122955.4(BSCL2):c.368C>T (p.Thr123Ile)

Genes: BSCL2 (BSCL2 lipid droplet biogenesis associated, seipin; minus strand), HNRNPUL2-BSCL2 (HNRNPUL2-BSCL2 readthrough (NMD candidate); minus strand). Cytogenetic location: 11q12.3.
Variant type: single nucleotide variant.
Coding change: c.368C>T on transcript NM_001122955.4 (MANE Select); coding-DNA position 368, C replaced by T.
Protein change: p.Thr123Ile; replaces threonine 123 with isoleucine.
Molecular consequence: missense variant. On other transcripts: non-coding transcript variant (1).
Genome position (GRCh38, 1-based): chr11:62,705,337, G>A on the plus strand (C>T on the coding strand, the complement: BSCL2 is on the minus strand). VCF-style: chr11-62705337-G-A. GRCh37 (hg19) VCF-style: chr11-62472809-G-A.
Other names: c.176C>T, p.Thr59Ile (NM_001130702.2, NM_032667.6); c.368C>T, p.Thr123Ile (NM_001386027.1, NM_001386028.1); short protein forms T59I, T123I.
Identifiers: ClinVar variation 1389256 (VCV001389256.6), dbSNP rs1308826157, ClinGen allele CA380970334.